The following is an entry in ClinVar:

NM_000285.4(PEPD):c.1254C>G (p.Ile418Met)

Gene: PEPD (peptidase D; minus strand). Cytogenetic location: 19q13.11.
Variant type: single nucleotide variant.
Coding change: c.1254C>G on transcript NM_000285.4 (MANE Select); coding-DNA position 1254, C replaced by G.
Protein change: p.Ile418Met; replaces isoleucine 418 with methionine.
Molecular consequence: missense variant.
Genome position (GRCh38, 1-based): chr19:33,387,980, G>C on the plus strand (C>G on the coding strand, the complement: PEPD is on the minus strand). VCF-style: chr19-33387980-G-C. GRCh37 (hg19) VCF-style: chr19-33878886-G-C.
Other names: c.1131C>G, p.Ile377Met (NM_001166056.2); c.1062C>G, p.Ile354Met (NM_001166057.2); short protein forms I354M, I377M, I418M.
Identifiers: ClinVar variation 1062056 (VCV001062056.9), dbSNP rs770965101, ClinGen allele CA405220540.

ClinVar aggregate classification (germline): Uncertain significance (1 of 4 stars; one submission).

Submission:

Labcorp Genetics (formerly Invitae), Labcorp
Classification: Uncertain significance. Last evaluated: 2020-10-28. Review status: criteria provided, single submitter. Criteria: Invitae Variant Classification Sherloc (09022015). Collection method: clinical testing. Allele origin: germline.
Comment: In summary, the available evidence is currently insufficient to determine the role of this variant in disease. Therefore, it has been classified as a Variant of Uncertain Significance. Algorithms developed to predict the effect of missense changes on protein structure and function are either unavailable or do not agree on the potential impact of this missense change (SIFT: "Tolerated"; PolyPhen-2: "Probably Damaging"; Align-GVGD: "Class C0"). This variant has not been reported in the literature in individuals with PEPD-related conditions. This variant is not present in population databases (ExAC no frequency). This sequence change replaces isoleucine with methionine at codon 418 of the PEPD protein (p.Ile418Met). The isoleucine residue is highly conserved and there is a small physicochemical difference between isoleucine and methionine.